The following is an entry in ClinVar:

ClinVar aggregate classification (germline): Uncertain significance (1 of 4 stars; one submission).

Conditions:
Inborn genetic diseases. Identifiers: MedGen C0950123, MeSH D030342.

Submission:

Ambry Genetics
Classification: Uncertain significance for Inborn genetic diseases. Last evaluated: 2026-03-04. Review status: criteria provided, single submitter. Criteria: Ambry Variant Classification Scheme 2023. Collection method: clinical testing. Allele origin: germline.
Comment: The p.K280E variant (also known as c.838A>G), located in coding exon 8 of the ANKRD26 gene, results from an A to G substitution at nucleotide position 838. The lysine at codon 280 is replaced by glutamic acid, an amino acid with similar properties. This amino acid position is conserved. In addition, this alteration is predicted to be tolerated by in silico analysis. Based on the available evidence, the clinical significance of this variant remains unclear.

NM_014915.3(ANKRD26):c.838A>G (p.Lys280Glu)

Gene: ANKRD26 (ankyrin repeat domain 26; minus strand). Cytogenetic location: 10p12.1.
Variant type: single nucleotide variant.
Coding change: c.838A>G on transcript NM_014915.3 (MANE Select); coding-DNA position 838, A replaced by G.
Protein change: p.Lys280Glu; replaces lysine 280 with glutamic acid.
Molecular consequence: missense variant.
Genome position (GRCh38, 1-based): chr10:27,077,669, T>C on the plus strand (A>G on the coding strand, the complement: ANKRD26 is on the minus strand). VCF-style: chr10-27077669-T-C. GRCh37 (hg19) VCF-style: chr10-27366598-T-C.
Other names: c.838A>G, p.Lys280Glu (NM_001256053.2); short protein forms K280E.
Identifiers: ClinVar variation 4826415 (VCV004826415.1).